The following is an entry in ClinVar:

ClinVar aggregate classification (germline): Conflicting classifications of pathogenicity. Review status: criteria provided, conflicting classifications (1 of 4 stars). 6 submissions from 6 submitters: Uncertain significance (3); Likely benign (3). Last evaluated 2025-11-23.

Conditions:
WFS1-related disorder. Identifiers: MedGen CN379391, MONDO:0700293.
Type 2 diabetes mellitus. Also called: Type II diabetes mellitus. Identifiers: MedGen C0011860, MeSH D003924, MONDO:0005148, OMIM 125853, HP:0005978.

Allele frequency attached by ClinVar (database versions not stated): gnomAD 0.00006 and 0.00013; ESP Exome Variant Server 0.00008; TOPMed 0.00009; gnomAD exomes 0.00012 and 0.00031; ExAC 0.00047; 1000 Genomes Project 30x 0.00094; 1000 Genomes Project 0.00100.
gnomAD v4.1: 208 of 1,577,956 alleles (0.013%); highest among the groups gnomAD compares: East Asian, 0.27%; no homozygotes.

Submissions (6):

Labcorp Genetics (formerly Invitae), Labcorp
Classification: Likely benign. Last evaluated: 2025-11-23. Review status: criteria provided, single submitter. Criteria: Invitae Variant Classification Sherloc (09022015). Collection method: clinical testing. Allele origin: germline.

PreventionGenetics, part of Exact Sciences
Classification: Likely benign for WFS1-related condition. Last evaluated: 2025-10-28. Review status: criteria provided, single submitter. Criteria: ACMG Guidelines, 2015. Collection method: clinical testing. Allele origin: germline.
Comment: This variant is classified as likely benign based on ACMG/AMP sequence variant interpretation guidelines (Richards et al. 2015 PMID: 25741868, with internal and published modifications).

Blueprint Genetics
Classification: Uncertain significance. Last evaluated: 2024-08-20. Review status: criteria provided, single submitter. Criteria: ACMG Guidelines, 2015. Collection method: clinical testing. Allele origin: germline.

New York Genome Center
Classification: Uncertain significance for Type 2 diabetes mellitus. Last evaluated: 2022-09-09. Review status: criteria provided, single submitter. Criteria: NYGC Assertion Criteria 2020. Collection method: clinical testing. Allele origin: germline. Observed: 2 heterozygotes. Clinical features observed: Hyperlipidemia (HP:0003077), Diabetes mellitus (HP:0000819).

GeneDx
Classification: Likely benign. Last evaluated: 2020-11-10. Review status: criteria provided, single submitter. Criteria: GeneDx Variant Classification Process June 2021. Collection method: clinical testing. Allele origin: germline. Affected: yes.
Comment: This variant is associated with the following publications: (PMID: 30245029, 25289672, 29151245, 17492394, 27185633, 23967202)

Laboratory for Molecular Medicine, Mass General Brigham Personalized Medicine
Classification: Uncertain significance. Last evaluated: 2019-01-04. Review status: criteria provided, single submitter. Criteria: LMM Criteria. Collection method: clinical testing. Allele origin: germline. Observed: 3 variant alleles.
Comment: Variant classified as Uncertain Significance - Favor Benign. The p.Ala150Val var iant in WFS1 has been reported in several individuals with sensorineural hearing loss and segregated in three affected family members; however, it has also iden tified in an unaffected family members and controls (Fukuoka 2018, Miyagawa 2013 , Noguchi, Qing 2014). This variant was also reported in 1 individual with MODY (Li 2016) and has also been identified in 0.28% (45/15702) of East Asian chromos omes by gnomAD. Computational prediction tool s and conservation analysis do not provide strong support for or against an impa ct to the protein. In summary, while the clinical significance of this variant i s uncertain, its frequency and identification in unaffected family members sugge sts it is more likely to be benign. ACMG/AMP Criteria applied: BS1_Supporting.

Literature cited by the submitters: PubMed 23967202 (cited by Laboratory for Molecular Medicine, Mass General Brigham Personalized Medicine); PubMed 25289672 (cited by Laboratory for Molecular Medicine, Mass General Brigham Personalized Medicine); PubMed 16353398 (cited by Laboratory for Molecular Medicine, Mass General Brigham Personalized Medicine); PubMed 27185633 (cited by Laboratory for Molecular Medicine, Mass General Brigham Personalized Medicine); PubMed 30245029 (cited by Laboratory for Molecular Medicine, Mass General Brigham Personalized Medicine); PubMed 17492394 (cited by Laboratory for Molecular Medicine, Mass General Brigham Personalized Medicine).

NM_006005.3(WFS1):c.449C>T (p.Ala150Val)

Gene: WFS1 (wolframin ER transmembrane glycoprotein; plus strand). Cytogenetic location: 4p16.1.
Variant type: single nucleotide variant.
Coding change: c.449C>T on transcript NM_006005.3 (MANE Select); coding-DNA position 449, C replaced by T.
Protein change: p.Ala150Val; replaces alanine 150 with valine.
Molecular consequence: missense variant.
Genome position (GRCh38, 1-based): chr4:6,289,120, C>T. VCF-style: chr4-6289120-C-T. GRCh37 (hg19) VCF-style: chr4-6290847-C-T.
Other names: c.449C>T, p.Ala150Val (NM_001145853.1); short protein forms A150V.
Identifiers: ClinVar variation 178585 (VCV000178585.19), dbSNP rs113651985, ClinGen allele CA182610.